The following is an entry in ClinVar:

ClinVar aggregate classification (germline): Likely benign. Review status: criteria provided, multiple submitters, no conflicts (2 of 4 stars). 2 submissions from 2 submitters: Likely benign (2). Last evaluated 2023-03-01.

Allele frequency attached by ClinVar (database versions not stated): gnomAD exomes below 0.00001.

Submissions (2):

CeGaT Center for Human Genetics Tuebingen
Classification: Likely benign. Last evaluated: 2023-03-01. Review status: criteria provided, single submitter. Criteria: CeGaT Center For Human Genetics Tuebingen Variant Classification Criteria Version 2. Collection method: clinical testing. Allele origin: germline. Affected: yes. Observed: 1 variant allele.
Comment: SOX11: PM2:Supporting, BP4, BP7

Labcorp Genetics (formerly Invitae), Labcorp
Classification: Likely benign. Last evaluated: 2022-05-21. Review status: criteria provided, single submitter. Criteria: Invitae Variant Classification Sherloc (09022015). Collection method: clinical testing. Allele origin: germline.

NM_003108.4(SOX11):c.915C>T (p.Ala305=)

Gene: SOX11 (SRY-box transcription factor 11; plus strand). Cytogenetic location: 2p25.2.
Variant type: single nucleotide variant.
Coding change: c.915C>T on transcript NM_003108.4 (MANE Select); coding-DNA position 915, C replaced by T.
Protein change: p.Ala305=; no amino-acid change (alanine 305 retained).
Molecular consequence: synonymous variant.
Genome position (GRCh38, 1-based): chr2:5,693,636, C>T. VCF-style: chr2-5693636-C-T. GRCh37 (hg19) VCF-style: chr2-5833768-C-T.
Identifiers: ClinVar variation 2422118 (VCV002422118.29), dbSNP rs771353105, ClinGen allele CA424762935.